The following is an entry in ClinVar:

NM_019594.4(LRRC8A):c.1600T>C (p.Tyr534His)

Gene: LRRC8A (leucine rich repeat containing 8 VRAC subunit A; plus strand). Cytogenetic location: 9q34.11.
Variant type: single nucleotide variant.
Coding change: c.1600T>C on transcript NM_019594.4 (MANE Select); coding-DNA position 1600, T replaced by C.
Protein change: p.Tyr534His; replaces tyrosine 534 with histidine.
Molecular consequence: missense variant.
Genome position (GRCh38, 1-based): chr9:128,908,764, T>C. VCF-style: chr9-128908764-T-C. GRCh37 (hg19) VCF-style: chr9-131671043-T-C.
Other names: c.1600T>C, p.Tyr534His (NM_001127244.2, NM_001127245.2); short protein forms Y534H.
Identifiers: ClinVar variation 2096649 (VCV002096649.4), dbSNP rs2491879502, ClinGen allele CA375083033.
Genomic context (GRCh38, chr9:128,908,764, plus strand): 5'-AGCCTGAAGACACTGGAGGAGCTGCACCTGACGGGCAACCTGAGCGCGGAGAACAACCGC[T>C]ACATCGTCATCGACGGGCTGCGGGAGCTCAAACGCCTCAAGGTGCTGCGGCTCAAGAGCA-3'
Protein context (NP_062540.2, residues 524-544): TGNLSAENNR[Tyr534His]IVIDGLRELK

ClinVar aggregate classification (germline): Uncertain significance (1 of 4 stars; one submission).

Submission:

Labcorp Genetics (formerly Invitae), Labcorp
Classification: Uncertain significance. Last evaluated: 2022-02-11. Review status: criteria provided, single submitter. Criteria: Invitae Variant Classification Sherloc (09022015). Collection method: clinical testing. Allele origin: germline.
Comment: This sequence change replaces tyrosine, which is neutral and polar, with histidine, which is basic and polar, at codon 534 of the LRRC8A protein (p.Tyr534His). This variant is not present in population databases (gnomAD no frequency). In summary, the available evidence is currently insufficient to determine the role of this variant in disease. Therefore, it has been classified as a Variant of Uncertain Significance. Algorithms developed to predict the effect of missense changes on protein structure and function are either unavailable or do not agree on the potential impact of this missense change (SIFT: "Deleterious"; PolyPhen-2: "Benign"; Align-GVGD: "Class C65"). This variant has not been reported in the literature in individuals affected with LRRC8A-related conditions.